The following is an entry in ClinVar:

ClinVar aggregate classification (germline): Pathogenic (1 of 4 stars; one submission).

Conditions:
Duchenne muscular dystrophy (DMD). Also called: MUSCULAR DYSTROPHY, PSEUDOHYPERTROPHIC PROGRESSIVE, DUCHENNE TYPE; Duchenne Muscular Dystrophy (DMD). Identifiers: Orphanet 98896, MedGen C0013264, MONDO:0010679, OMIM 310200.

Submission:

Labcorp Genetics (formerly Invitae), Labcorp
Classification: Pathogenic for Duchenne muscular dystrophy. Last evaluated: 2018-06-19. Review status: criteria provided, single submitter. Criteria: Invitae Variant Classification Sherloc (09022015). Collection method: clinical testing. Allele origin: germline.
Comment: For these reasons, this variant has been classified as Pathogenic. Loss-of-function variants in DMD are known to be pathogenic (PMID: 16770791, 25007885). This variant has been observed in an individual affected with Duchenne muscular dystrophy (PMID: 15841391). This variant is an out-of-frame deletion of the genomic region encompassing exons 37-43 of the DMD gene. This is expected to create a premature translational stop signal and result in an absent or disrupted protein product.

Literature cited by the submitters: PubMed 16770791; PubMed 25007885; PubMed 15841391.

NC_000023.11:g.(?_32287509)_(32362978_?)del

Gene: DMD (dystrophin; minus strand). Cytogenetic location: Xp21.1.
Variant type: Deletion.
Identifiers: ClinVar variation 583636 (VCV000583636.8).